The following is an entry in ClinVar:

NM_020778.5(ALPK3):c.61G>A (p.Gly21Ser)

Gene: ALPK3 (alpha kinase 3; plus strand). Cytogenetic location: 15q25.3.
Variant type: single nucleotide variant.
Coding change: c.61G>A on transcript NM_020778.5 (MANE Select); coding-DNA position 61, G replaced by A.
Protein change: p.Gly21Ser; replaces glycine 21 with serine.
Molecular consequence: missense variant.
Genome position (GRCh38, 1-based): chr15:84,817,513, G>A. VCF-style: chr15-84817513-G-A. GRCh37 (hg19) VCF-style: chr15-85360744-G-A.
Other names: short protein forms G21S.
Identifiers: ClinVar variation 4767758 (VCV004767758.1).

ClinVar aggregate classification (germline): Uncertain significance (1 of 4 stars; one submission).

Submission:

Labcorp Genetics (formerly Invitae), Labcorp
Classification: Uncertain significance. Last evaluated: 2025-04-04. Review status: criteria provided, single submitter. Criteria: Invitae Variant Classification Sherloc (09022015). Collection method: clinical testing. Allele origin: germline.
Comment: This sequence change replaces glycine, which is neutral and non-polar, with serine, which is neutral and polar, at codon 223 of the ALPK3 protein (p.Gly223Ser). The frequency data for this variant in the population databases is considered unreliable, as metrics indicate poor data quality at this position in the gnomAD database. This variant has not been reported in the literature in individuals affected with ALPK3-related conditions. An algorithm developed to predict the effect of missense changes on protein structure and function (PolyPhen-2) suggests that this variant is likely to be tolerated. In summary, the available evidence is currently insufficient to determine the role of this variant in disease. Therefore, it has been classified as a Variant of Uncertain Significance.